The following is an entry in ClinVar:

NM_002439.5(MSH3):c.2791A>C (p.Ile931Leu)

Gene: MSH3 (mutS homolog 3; plus strand). Cytogenetic location: 5q14.1.
Variant type: single nucleotide variant.
Coding change: c.2791A>C on transcript NM_002439.5 (MANE Select); coding-DNA position 2791, A replaced by C.
Protein change: p.Ile931Leu; replaces isoleucine 931 with leucine.
Molecular consequence: missense variant.
Genome position (GRCh38, 1-based): chr5:80,813,719, A>C. VCF-style: chr5-80813719-A-C. GRCh37 (hg19) VCF-style: chr5-80109538-A-C.
Other names: short protein forms I931L.
Identifiers: ClinVar variation 1796053 (VCV001796053.2), dbSNP rs1745050256, ClinGen allele CA360274079.

ClinVar aggregate classification (germline): Uncertain significance (1 of 4 stars; one submission).

Conditions:
Hereditary cancer-predisposing syndrome. Also called: Tumor predisposition; Hereditary Cancer Syndrome; Neoplastic Syndromes, Hereditary; Hereditary neoplastic syndrome. Identifiers: Orphanet 140162, MedGen C0027672, MeSH D009386, MONDO:0015356.

Allele frequency attached by ClinVar (database versions not stated): gnomAD 0.00001.
gnomAD v4.1: 2 of 1,614,044 alleles (0.00012%); highest among the groups gnomAD compares: African/African-American, 0.0027%; no homozygotes.

Submission:

Ambry Genetics
Classification: Uncertain significance for Hereditary cancer-predisposing syndrome. Last evaluated: 2021-09-26. Review status: criteria provided, single submitter. Criteria: Ambry Variant Classification Scheme 2023. Collection method: clinical testing. Allele origin: germline.
Comment: The p.I931L variant (also known as c.2791A>C), located in coding exon 20 of the MSH3 gene, results from an A to C substitution at nucleotide position 2791. The isoleucine at codon 931 is replaced by leucine, an amino acid with highly similar properties. This amino acid position is conserved. In addition, this alteration is predicted to be tolerated by in silico analysis. Since supporting evidence is limited at this time, the clinical significance of this alteration remains unclear.